The following is an entry in ClinVar:

ClinVar aggregate classification (germline): Uncertain significance. Review status: criteria provided, multiple submitters, no conflicts (2 of 4 stars). 2 submissions from 2 submitters: Uncertain significance (2). Last evaluated 2025-09-11.

Conditions:
Inborn genetic diseases. Identifiers: MedGen C0950123, MeSH D030342.
Ehlers-Danlos syndrome, musculocontractural type 2 (EDSMC2). Identifiers: Orphanet 2953, MedGen C3809845, MONDO:0014236, OMIM 615539.

Allele frequency attached by ClinVar (database versions not stated): gnomAD exomes below 0.00001 and 0.00002; ExAC 0.00001; gnomAD 0.00001 and 0.00002; TOPMed 0.00001.
gnomAD v4.1: 12 of 1,614,018 alleles (0.00074%); highest among the groups gnomAD compares: East Asian, 0.02%; no homozygotes.

Submissions (2):

Ambry Genetics
Classification: Uncertain significance for Inborn genetic diseases. Last evaluated: 2025-09-11. Review status: criteria provided, single submitter. Criteria: Ambry Variant Classification Scheme 2023. Collection method: clinical testing. Allele origin: germline.

Labcorp Genetics (formerly Invitae), Labcorp
Classification: Uncertain significance for Ehlers-Danlos syndrome, musculocontractural type 2. Last evaluated: 2020-12-14. Review status: criteria provided, single submitter. Criteria: Invitae Variant Classification Sherloc (09022015). Collection method: clinical testing. Allele origin: germline.
Comment: In summary, the available evidence is currently insufficient to determine the role of this variant in disease. Therefore, it has been classified as a Variant of Uncertain Significance. Algorithms developed to predict the effect of missense changes on protein structure and function output the following: SIFT: "Not Available"; PolyPhen-2: "Benign"; Align-GVGD: "Not Available". The valine amino acid residue is found in multiple mammalian species, suggesting that this missense change does not adversely affect protein function. These predictions have not been confirmed by published functional studies and their clinical significance is uncertain. This variant has not been reported in the literature in individuals with DSE-related conditions. The frequency data for this variant in the population databases is considered unreliable, as metrics indicate poor data quality at this position in the ExAC database. This sequence change replaces isoleucine with valine at codon 796 of the DSE protein (p.Ile796Val). The isoleucine residue is moderately conserved and there is a small physicochemical difference between isoleucine and valine.

NM_013352.4(DSE):c.2386A>G (p.Ile796Val)

Gene: DSE (dermatan sulfate epimerase; plus strand). Cytogenetic location: 6q22.1.
Variant type: single nucleotide variant.
Coding change: c.2386A>G on transcript NM_013352.4 (MANE Select); coding-DNA position 2386, A replaced by G.
Protein change: p.Ile796Val; replaces isoleucine 796 with valine.
Molecular consequence: missense variant. On other transcripts: 3 prime UTR variant (2), non-coding transcript variant (1).
Genome position (GRCh38, 1-based): chr6:116,436,854, A>G. VCF-style: chr6-116436854-A-G. GRCh37 (hg19) VCF-style: chr6-116758017-A-G.
Other names: c.2386A>G, p.Ile796Val (NM_001080976.3, NM_001322937.2, NM_001322938.2); c.2443A>G, p.Ile815Val (NM_001322939.2); c.1825A>G, p.Ile609Val (NM_001322940.2, NM_001322941.2); c.*1251A>G (NM_001322943.2, NM_001322944.2); c.1387A>G, p.Ile463Val (NM_001374520.1); c.1351A>G, p.Ile451Val (NM_001374521.1); c.2386A>G (NM_013352.2); short protein forms I815V, I609V, I796V, I451V, I463V.
Identifiers: ClinVar variation 1512592 (VCV001512592.7), dbSNP rs774012350, ClinGen allele CA3969807.
Genomic context (GRCh38, chr6:116,436,854, plus strand): 5'-CGCCTGCTGAGATTTTCAGATAAGAGACAGACTGAGGAGGCCATTGACAGGATTTTTGCC[A>G]TATCACAGCAACAGCAGCAGCAAAGCAAGTCAAAGAAAAACCGAAGGGCAGGCAAACGCT-3'
Protein context (NP_037484.1, residues 786-806): TEEAIDRIFA[Ile796Val]SQQQQQQSKS